The following is an entry in ClinVar:

ClinVar aggregate classification (germline): Conflicting classifications of pathogenicity. Review status: criteria provided, conflicting classifications (1 of 4 stars). 2 submissions from 2 submitters: Uncertain significance (1); Likely benign (1). Last evaluated 2025-12-04.

Conditions:
Inborn genetic diseases. Identifiers: MedGen C0950123, MeSH D030342.
Methylmalonic acidemia with homocystinuria, type cblX (MAHCX). Also called: INTELLECTUAL DEVELOPMENTAL DISORDER, X-LINKED 3. Identifiers: Orphanet 369962, MedGen C0796208, MONDO:0010657, OMIM 309541.

gnomAD v4.1: 9 of 1,205,756 alleles (0.00075%); highest among the groups gnomAD compares: South Asian, 0.0018%; no homozygotes.

Submissions (2):

Labcorp Genetics (formerly Invitae), Labcorp
Classification: Uncertain significance for Methylmalonic acidemia with homocystinuria, type cblX. Last evaluated: 2025-12-04. Review status: criteria provided, single submitter. Criteria: Invitae Variant Classification Sherloc (09022015). Collection method: clinical testing. Allele origin: germline.
Comment: This sequence change replaces valine, which is neutral and non-polar, with methionine, which is neutral and non-polar, at codon 1247 of the HCFC1 protein (p.Val1247Met). This variant is present in population databases (no rsID available, gnomAD 0.001%). This variant has not been reported in the literature in individuals affected with HCFC1-related conditions. ClinVar contains an entry for this variant (Variation ID: 4269134). An algorithm developed to predict the effect of missense changes on protein structure and function outputs the following: PolyPhen-2: "Benign". The methionine amino acid residue is found in multiple mammalian species, which suggests that this missense change does not adversely affect protein function. In summary, the available evidence is currently insufficient to determine the role of this variant in disease. Therefore, it has been classified as a Variant of Uncertain Significance.

Ambry Genetics
Classification: Likely benign for Inborn genetic diseases. Last evaluated: 2025-09-10. Review status: criteria provided, single submitter. Criteria: Ambry Variant Classification Scheme 2023. Collection method: clinical testing. Allele origin: germline.

NM_005334.3(HCFC1):c.3739G>A (p.Val1247Met)

Gene: HCFC1 (host cell factor C1; minus strand). Cytogenetic location: Xq28.
Variant type: single nucleotide variant.
Coding change: c.3739G>A on transcript NM_005334.3 (MANE Select); coding-DNA position 3739, G replaced by A.
Protein change: p.Val1247Met; replaces valine 1247 with methionine.
Molecular consequence: missense variant.
Genome position (GRCh38, 1-based): chrX:153,954,660, C>T on the plus strand (G>A on the coding strand, the complement: HCFC1 is on the minus strand). VCF-style: chrX-153954660-C-T. GRCh37 (hg19) VCF-style: chrX-153220111-C-T.
Other names: c.3739G>A, p.Val1247Met (NM_001410705.1, NM_001440843.1, NM_001440844.1 and 5 more transcripts); c.3541G>A, p.Val1181Met (NM_001440850.1, NM_001440851.1); short protein forms V1181M, V1247M.
Identifiers: ClinVar variation 4269134 (VCV004269134.2).
Genomic context (GRCh38, chrX:153,954,660, plus strand): 5'-TGGGCGAGCCACCCTGGAGGCTCTCGCACACAGGTGCCATGCGGGGCTCCCCAGCACCCA[C>T]GCTGGAACGGGTCATGGCAGCGGTGCTGACCGCATGGCTGTGGCGCCCCGCAGGAAGGTC-3'
Protein context (NP_005325.2, residues 1237-1257): VSTAAMTRSS[Val1247Met]GAGEPRMAPV